The following is an entry in ClinVar:

NM_013328.4(PYCR2):c.134T>A (p.Leu45His)

Gene: PYCR2 (pyrroline-5-carboxylate reductase 2; minus strand). Cytogenetic location: 1q42.12.
Variant type: single nucleotide variant.
Coding change: c.134T>A on transcript NM_013328.4 (MANE Select); coding-DNA position 134, T replaced by A.
Protein change: p.Leu45His; replaces leucine 45 with histidine.
Molecular consequence: missense variant.
Genome position (GRCh38, 1-based): chr1:225,923,705, A>T on the plus strand (T>A on the coding strand, the complement: PYCR2 is on the minus strand). VCF-style: chr1-225923705-A-T. GRCh37 (hg19) VCF-style: chr1-226111405-A-T.
Other names: c.134T>A, p.Leu45His (NM_001271681.2); short protein forms L45H.
Identifiers: ClinVar variation 4887892 (VCV004887892.1).

ClinVar aggregate classification (germline): Uncertain significance (1 of 4 stars; one submission).

Submission:

GeneDx
Classification: Uncertain significance. Last evaluated: 2026-02-12. Review status: criteria provided, single submitter. Criteria: GeneDx Variant Classification Process June 2021. Collection method: clinical testing. Allele origin: germline.
Comment: Not observed at significant frequency in large population cohorts (gnomAD); In silico analysis supports that this missense variant has a deleterious effect on protein structure/function; Has not been previously published as pathogenic or benign to our knowledge